The following is an entry in ClinVar:

NM_000038.6(APC):c.5688C>G (p.Ser1896Arg)

Gene: APC (APC regulator of WNT signaling pathway; plus strand). Cytogenetic location: 5q22.2.
Variant type: single nucleotide variant.
Coding change: c.5688C>G on transcript NM_000038.6 (MANE Select); coding-DNA position 5688, C replaced by G.
Protein change: p.Ser1896Arg; replaces serine 1896 with arginine.
Molecular consequence: missense variant.
Genome position (GRCh38, 1-based): chr5:112,841,282, C>G. VCF-style: chr5-112841282-C-G. GRCh37 (hg19) VCF-style: chr5-112176979-C-G.
Other names: c.5688C>G, p.Ser1896Arg (NM_001127510.3, NM_001354895.2); c.5634C>G, p.Ser1878Arg (NM_001127511.3); c.5742C>G, p.Ser1914Arg (NM_001354896.2); c.5718C>G, p.Ser1906Arg (NM_001354897.2); c.5613C>G, p.Ser1871Arg (NM_001354898.2); c.5604C>G, p.Ser1868Arg (NM_001354899.2); c.5565C>G, p.Ser1855Arg (NM_001354900.2); c.5511C>G, p.Ser1837Arg (NM_001354901.2); and 5 more; short protein forms S1878R, S1896R, S1736R, S1795R, S1914R, S1770R, S1855R, S1868R.
Identifiers: ClinVar variation 633044 (VCV000633044.1), dbSNP rs1561601778, ClinGen allele CA16033785.

ClinVar aggregate classification (germline): Uncertain significance (1 of 4 stars; one submission).

Allele frequency attached by ClinVar (database versions not stated): gnomAD exomes below 0.00001.
gnomAD v4.1: 1 of 1,613,842 alleles (0.000062%); no homozygotes.

Submission:

Women's Health and Genetics/Laboratory Corporation of America, LabCorp
Classification: Uncertain significance. Last evaluated: 2018-08-03. Review status: criteria provided, single submitter. Criteria: LabCorp Variant Classification Summary - May 2015. Collection method: clinical testing. Allele origin: germline.
Comment: Variant summary: APC c.5688C>G (p.Ser1896Arg) results in a non-conservative amino acid change in the encoded protein sequence. Four of five in-silico tools predict a benign effect of the variant on protein function. The variant was absent in 120940 control chromosomes (ExAC). The available data on variant occurrences in the general population are insufficient to allow any conclusion about variant significance. To our knowledge, no occurrence of c.5688C>G in individuals affected with Familial Adenomatous Polyposis and no experimental evidence demonstrating its impact on protein function have been reported. No clinical diagnostic laboratories have submitted clinical-significance assessments for this variant to ClinVar after 2014. Based on the evidence outlined above, the variant was classified as uncertain significance.